The following is an entry in ClinVar:

NM_003848.4(SUCLG2):c.235G>A (p.Glu79Lys)

Gene: SUCLG2 (succinate-CoA ligase GDP-forming subunit beta; minus strand). Cytogenetic location: 3p14.1.
Variant type: single nucleotide variant.
Coding change: c.235G>A on transcript NM_003848.4 (MANE Select); coding-DNA position 235, G replaced by A.
Protein change: p.Glu79Lys; replaces glutamic acid 79 with lysine.
Molecular consequence: missense variant.
Genome position (GRCh38, 1-based): chr3:67,529,178, C>T on the plus strand (G>A on the coding strand, the complement: SUCLG2 is on the minus strand). VCF-style: chr3-67529178-C-T. GRCh37 (hg19) VCF-style: chr3-67579602-C-T.
Other names: c.235G>A, p.Glu79Lys (NM_001177599.2); c.235G>A (NM_001177599.1); short protein forms E79K.
Identifiers: ClinVar variation 2866218 (VCV002866218.4), dbSNP rs201284259, ClinGen allele CA2486095.
Genomic context (GRCh38, chr3:67,529,178, plus strand): 5'-CACTATTGAAGACACCTTTTCCTCTTCCTCCAGCTAAGATCTGGGCTTTTAAAACAATTT[C>T]TTTTGCATCTGAAAAAGAAAAATCCAGAGTTGGTAGCTGATTTTAAATTCTTTTTTTGTT-3'
Protein context (NP_003839.2, residues 69-89): LEAAKRLNAK[Glu79Lys]IVLKAQILAG

ClinVar aggregate classification (germline): Uncertain significance. Review status: criteria provided, multiple submitters, no conflicts (2 of 4 stars). 2 submissions from 2 submitters: Uncertain significance (2). Last evaluated 2025-07-07.

Allele frequency attached by ClinVar (database versions not stated): TOPMed 0.00023; 1000 Genomes Project 30x 0.00031.
gnomAD v4.1: 220 of 1,608,158 alleles (0.014%); highest among the groups gnomAD compares: Admixed American, 0.017%; no homozygotes.

Submissions (2):

Labcorp Genetics (formerly Invitae), Labcorp
Classification: Uncertain significance. Last evaluated: 2025-07-07. Review status: criteria provided, single submitter. Criteria: Invitae Variant Classification Sherloc (09022015). Collection method: clinical testing. Allele origin: germline.
Comment: This sequence change replaces glutamic acid, which is acidic and polar, with lysine, which is basic and polar, at codon 79 of the SUCLG2 protein (p.Glu79Lys). This variant is present in population databases (rs201284259, gnomAD 0.02%). This variant has not been reported in the literature in individuals affected with SUCLG2-related conditions. ClinVar contains an entry for this variant (Variation ID: 2866218). An algorithm developed to predict the effect of missense changes on protein structure and function (PolyPhen-2) suggests that this variant is likely to be disruptive. In summary, the available evidence is currently insufficient to determine the role of this variant in disease. Therefore, it has been classified as a Variant of Uncertain Significance.

Ambry Genetics
Classification: Uncertain significance. Last evaluated: 2021-08-16. Review status: criteria provided, single submitter. Criteria: Ambry Variant Classification Scheme 2023. Collection method: clinical testing. Allele origin: germline.